The following is an entry in ClinVar:

NM_033004.4(NLRP1):c.2341C>A (p.Pro781Thr)

Gene: NLRP1 (NLR family pyrin domain containing 1; minus strand). Cytogenetic location: 17p13.2.
Variant type: single nucleotide variant.
Coding change: c.2341C>A on transcript NM_033004.4 (MANE Select); coding-DNA position 2341, C replaced by A.
Protein change: p.Pro781Thr; replaces proline 781 with threonine.
Molecular consequence: missense variant.
Genome position (GRCh38, 1-based): chr17:5,558,355, G>T on the plus strand (C>A on the coding strand, the complement: NLRP1 is on the minus strand). VCF-style: chr17-5558355-G-T. GRCh37 (hg19) VCF-style: chr17-5461675-G-T.
Other names: c.2341C>A (NM_033004.3); c.2341C>A, p.Pro781Thr (NM_001033053.3, NM_014922.5, NM_033006.4 and 1 more transcripts); short protein forms P781T.
Identifiers: ClinVar variation 808207 (VCV000808207.51), dbSNP rs201368394, ClinGen allele CA8327208.

ClinVar aggregate classification (germline): Uncertain significance. Review status: criteria provided, multiple submitters, no conflicts (2 of 4 stars). 6 submissions from 6 submitters: Uncertain significance (4). 2 of the submissions do not count toward it. Last evaluated 2026-01-17.

Conditions:
Inborn genetic diseases. Identifiers: MedGen C0950123, MeSH D030342.

Allele frequency attached by ClinVar (database versions not stated): gnomAD exomes 0.00008; ExAC 0.00009; gnomAD 0.00012 and 0.00014; TOPMed 0.00012.
gnomAD v4.1: 327 of 1,607,372 alleles (0.02%); highest among the groups gnomAD compares: Non-Finnish European, 0.025%; no homozygotes.

Submissions (6):

Labcorp Genetics (formerly Invitae), Labcorp
Classification: Uncertain significance. Last evaluated: 2026-01-17. Review status: criteria provided, single submitter. Criteria: Invitae Variant Classification Sherloc (09022015). Collection method: clinical testing. Allele origin: germline.
Comment: This sequence change replaces proline, which is neutral and non-polar, with threonine, which is neutral and polar, at codon 781 of the NLRP1 protein (p.Pro781Thr). This variant is present in population databases (rs201368394, gnomAD 0.02%). This variant has not been reported in the literature in individuals affected with NLRP1-related conditions. ClinVar contains an entry for this variant (Variation ID: 808207). An algorithm developed to predict the effect of missense changes on protein structure and function (PolyPhen-2) suggests that this variant is likely to be tolerated. In summary, the available evidence is currently insufficient to determine the role of this variant in disease. Therefore, it has been classified as a Variant of Uncertain Significance.

Blueprint Genetics
Classification: Uncertain significance. Last evaluated: 2023-05-29. Review status: criteria provided, single submitter. Criteria: ACMG Guidelines, 2015. Collection method: clinical testing. Allele origin: germline.

Ambry Genetics
Classification: Uncertain significance for Inborn genetic diseases. Last evaluated: 2021-08-12. Review status: criteria provided, single submitter. Criteria: Ambry Variant Classification Scheme 2023. Collection method: clinical testing. Allele origin: germline.

CeGaT Center for Human Genetics Tuebingen
Classification: Uncertain significance. Last evaluated: 2019-03-01. Review status: criteria provided, single submitter. Criteria: CeGaT Center For Human Genetics Tuebingen Variant Classification Criteria Version 2. Collection method: clinical testing. Allele origin: germline. Affected: yes. Observed: 1 variant allele.

Clinical Genetics DNA and cytogenetics Diagnostics Lab, Erasmus MC, Erasmus Medical Center
Classification: Likely benign. Review status: no assertion criteria provided. Collection method: clinical testing. Allele origin: germline. Affected: yes. Study: VKGL Data-share Consensus. Not counted in ClinVar's aggregate classification.

Genome Diagnostics Laboratory, University Medical Center Utrecht
Classification: Likely benign. Review status: no assertion criteria provided. Collection method: clinical testing. Allele origin: germline. Affected: yes. Study: VKGL Data-share Consensus. Not counted in ClinVar's aggregate classification.